The following is an entry in ClinVar:

NM_198859.4(PRICKLE2):c.527A>G (p.Tyr176Cys)

Gene: PRICKLE2 (prickle planar cell polarity protein 2; minus strand). Cytogenetic location: 3p14.1.
Variant type: single nucleotide variant.
Coding change: c.527A>G on transcript NM_198859.4 (MANE Select); coding-DNA position 527, A replaced by G.
Protein change: p.Tyr176Cys; replaces tyrosine 176 with cysteine.
Molecular consequence: missense variant.
Genome position (GRCh38, 1-based): chr3:64,157,235, T>C on the plus strand (A>G on the coding strand, the complement: PRICKLE2 is on the minus strand). VCF-style: chr3-64157235-T-C. GRCh37 (hg19) VCF-style: chr3-64142911-T-C.
Other names: c.527A>G, p.Tyr176Cys (NM_001370528.1); short protein forms Y176C.
Identifiers: ClinVar variation 651863 (VCV000651863.6), dbSNP rs188632189, ClinGen allele CA2479798.

ClinVar aggregate classification (germline): Uncertain significance (1 of 4 stars; one submission).

Conditions:
Progressive myoclonic epilepsy type 5. Identifiers: Orphanet 402082, MedGen C5190799.

Allele frequency attached by ClinVar (database versions not stated): gnomAD exomes 0.00005 and 0.00004; 1000 Genomes Project 30x 0.00016; 1000 Genomes Project 0.00020; gnomAD 0.00003 and 0.00004; ExAC 0.00004; TOPMed 0.00004.
gnomAD v4.1: 84 of 1,614,174 alleles (0.0052%); highest among the groups gnomAD compares: Middle Eastern, 0.017%; no homozygotes.

Submission:

Labcorp Genetics (formerly Invitae), Labcorp
Classification: Uncertain significance for Progressive myoclonic epilepsy type 5. Last evaluated: 2025-10-02. Review status: criteria provided, single submitter. Criteria: Invitae Variant Classification Sherloc (09022015). Collection method: clinical testing. Allele origin: germline.
Comment: This sequence change replaces tyrosine, which is neutral and polar, with cysteine, which is neutral and slightly polar, at codon 176 of the PRICKLE2 protein (p.Tyr176Cys). This variant is present in population databases (rs188632189, gnomAD 0.009%). This variant has not been reported in the literature in individuals affected with PRICKLE2-related conditions. ClinVar contains an entry for this variant (Variation ID: 651863). Invitae Evidence Modeling of protein sequence and biophysical properties (such as structural, functional, and spatial information, amino acid conservation, physicochemical variation, residue mobility, and thermodynamic stability) has been performed for this missense variant. However, the output from this modeling did not meet the statistical confidence thresholds required to predict the impact of this variant on PRICKLE2 protein function. In summary, the available evidence is currently insufficient to determine the role of this variant in disease. Therefore, it has been classified as a Variant of Uncertain Significance.